The following is an entry in ClinVar:

NM_000548.5(TSC2):c.2024C>T (p.Ala675Val)

Gene: TSC2 (TSC complex subunit 2; plus strand). Cytogenetic location: 16p13.3.
Variant type: single nucleotide variant.
Coding change: c.2024C>T on transcript NM_000548.5 (MANE Select); coding-DNA position 2024, C replaced by T.
Protein change: p.Ala675Val; replaces alanine 675 with valine.
Molecular consequence: missense variant.
Genome position (GRCh38, 1-based): chr16:2,071,861, C>T. VCF-style: chr16-2071861-C-T. GRCh37 (hg19) VCF-style: chr16-2121862-C-T.
Other names: c.2024C>T, p.Ala675Val (NM_001077183.3, NM_001114382.3, NM_001363528.2 and 6 more transcripts); c.1913C>T, p.Ala638Val (NM_001318827.2, NM_001406670.1, NM_001406678.1); c.1877C>T, p.Ala626Val (NM_001318829.2, NM_001406675.1, NM_001406676.1 and 1 more transcripts); c.1424C>T, p.Ala475Val (NM_001318831.2, NM_001406686.1, NM_001406687.1 and 6 more transcripts); c.2057C>T, p.Ala686Val (NM_001318832.2); c.2114C>T, p.Ala705Val (NM_001406667.1, NM_001406668.1); c.2012C>T, p.Ala671Val (NM_001406671.1, NM_001406673.1); c.680C>T, p.Ala227Val (NM_001406689.1, NM_001406690.1, NM_001406691.1 and 6 more transcripts); and 3 more; short protein forms A638V, A705V, A475V, A521V, A656V, A671V, A675V, A626V.
Identifiers: ClinVar variation 1784627 (VCV001784627.6), dbSNP rs1261337087, ClinGen allele CA394274519.
Genomic context (GRCh38, chr16:2,071,861, plus strand): 5'-CTGAGAAGAAGACCAGCGGCCCCCTTTCTCCTCCCACAGGGCCTCCTGGCCCGGCGCCTG[C>T]AGGCCCCGCCGTGCGGCTGGGGTCCGTGCCCTACTCCCTGCTCTTCCGCGTCCTGCTGCA-3'
Protein context (NP_000539.2, residues 665-685): PPTGPPGPAP[Ala675Val]GPAVRLGSVP

ClinVar aggregate classification (germline): Uncertain significance. Review status: criteria provided, multiple submitters, no conflicts (2 of 4 stars). 3 submissions from 3 submitters: Uncertain significance (3). Last evaluated 2023-11-28.

Conditions:
Tuberous sclerosis syndrome (TSC). Also called: Tuberous Sclerosis Complex; Tuberous sclerosis. Identifiers: Orphanet 805, MedGen C0041341, MONDO:0001734.
Hereditary cancer-predisposing syndrome. Also called: Tumor predisposition; Neoplastic Syndromes, Hereditary; Hereditary Cancer Syndrome; Hereditary neoplastic syndrome. Identifiers: Orphanet 140162, MedGen C0027672, MeSH D009386, MONDO:0015356.
Tuberous sclerosis 2 (TSC2). Identifiers: Orphanet 805, MedGen C1860707, MONDO:0013199, OMIM 613254.

Allele frequency attached by ClinVar (database versions not stated): gnomAD exomes below 0.00001.

Submissions (3):

Labcorp Genetics (formerly Invitae), Labcorp
Classification: Uncertain significance for Tuberous sclerosis 2. Last evaluated: 2023-11-28. Review status: criteria provided, single submitter. Criteria: Invitae Variant Classification Sherloc (09022015). Collection method: clinical testing. Allele origin: germline.
Comment: This sequence change replaces alanine, which is neutral and non-polar, with valine, which is neutral and non-polar, at codon 675 of the TSC2 protein (p.Ala675Val). This variant is not present in population databases (gnomAD no frequency). This variant has not been reported in the literature in individuals affected with TSC2-related conditions. ClinVar contains an entry for this variant (Variation ID: 1784627). Advanced modeling of protein sequence and biophysical properties (such as structural, functional, and spatial information, amino acid conservation, physicochemical variation, residue mobility, and thermodynamic stability) performed at Invitae indicates that this missense variant is not expected to disrupt TSC2 protein function with a negative predictive value of 95%. In summary, the available evidence is currently insufficient to determine the role of this variant in disease. Therefore, it has been classified as a Variant of Uncertain Significance.

All of Us Research Program, National Institutes of Health
Classification: Uncertain significance for Tuberous sclerosis syndrome. Last evaluated: 2023-06-26. Review status: criteria provided, single submitter. Criteria: ACMG Guidelines, 2015. Collection method: clinical testing. Allele origin: germline. Inheritance: Autosomal dominant inheritance. Observed: 2 variant alleles, 2 heterozygotes.
Comment: This missense variant replaces alanine with valine at codon 675 of the TSC2 protein. Computational prediction suggests that this variant may not impact protein structure and function (internally defined REVEL score threshold <= 0.5, PMID: 27666373). To our knowledge, functional studies have not been reported for this variant. This variant has not been reported in individuals affected with TSC2-related disorders in the literature. This variant has not been identified in the general population by the Genome Aggregation Database (gnomAD). The available evidence is insufficient to determine the role of this variant in disease conclusively. Therefore, this variant is classified as a Variant of Uncertain Significance.

This study involves interpretation of variants in research participants for the purpose of population health screening. Participant phenotype was not available at the time of variant classification. Additional details can be found in publication PMID: 35346344, PMCID: PMC8962531

Ambry Genetics
Classification: Uncertain significance for Hereditary cancer-predisposing syndrome. Last evaluated: 2022-08-11. Review status: criteria provided, single submitter. Criteria: Ambry Variant Classification Scheme 2023. Collection method: clinical testing. Allele origin: germline.
Comment: The p.A675V variant (also known as c.2024C>T), located in coding exon 18 of the TSC2 gene, results from a C to T substitution at nucleotide position 2024. The alanine at codon 675 is replaced by valine, an amino acid with similar properties. This amino acid position is conserved. In addition, this alteration is predicted to be tolerated by in silico analysis. Since supporting evidence is limited at this time, the clinical significance of this alteration remains unclear.